The following is an entry in ClinVar:

NM_205850.3(SLC24A5):c.617T>C (p.Ile206Thr)

Genes: MYEF2 (myelin expression factor 2; minus strand), SLC24A5 (solute carrier family 24 member 5; plus strand). Cytogenetic location: 15q21.1.
Variant type: single nucleotide variant.
Coding change: c.617T>C on transcript NM_205850.3 (MANE Select); coding-DNA position 617, T replaced by C.
Protein change: p.Ile206Thr; replaces isoleucine 206 with threonine.
Molecular consequence: missense variant. On other transcripts: 3 prime UTR variant (2).
Genome position (GRCh38, 1-based): chr15:48,136,709, T>C. VCF-style: chr15-48136709-T-C. GRCh37 (hg19) VCF-style: chr15-48428906-T-C.
Other names: c.*6199A>G (NM_001301210.2, NM_016132.5); short protein forms I206T.
Identifiers: ClinVar variation 2072811 (VCV002072811.4), dbSNP rs2038908633, ClinGen allele CA392451191.

ClinVar aggregate classification (germline): Uncertain significance (1 of 4 stars; one submission).

Allele frequency attached by ClinVar (database versions not stated): gnomAD exomes below 0.00001; TOPMed below 0.00001; gnomAD 0.00001.
gnomAD v4.1: 4 of 1,612,094 alleles (0.00025%); highest among the groups gnomAD compares: Admixed American, 0.0017%; no homozygotes.

Submission:

Labcorp Genetics (formerly Invitae), Labcorp
Classification: Uncertain significance. Last evaluated: 2022-07-12. Review status: criteria provided, single submitter. Criteria: Invitae Variant Classification Sherloc (09022015). Collection method: clinical testing. Allele origin: germline.
Comment: This sequence change replaces isoleucine, which is neutral and non-polar, with threonine, which is neutral and polar, at codon 206 of the SLC24A5 protein (p.Ile206Thr). This variant is not present in population databases (gnomAD no frequency). This variant has not been reported in the literature in individuals affected with SLC24A5-related conditions. Algorithms developed to predict the effect of missense changes on protein structure and function are either unavailable or do not agree on the potential impact of this missense change (SIFT: "Deleterious"; PolyPhen-2: "Benign"; Align-GVGD: "Class C25"). In summary, the available evidence is currently insufficient to determine the role of this variant in disease. Therefore, it has been classified as a Variant of Uncertain Significance.